The following is an entry in ClinVar:

NM_000059.4(BRCA2):c.5835A>G (p.Ile1945Met)

Gene: BRCA2 (BRCA2 DNA repair associated; plus strand). Cytogenetic location: 13q13.1.
Variant type: single nucleotide variant.
Coding change: c.5835A>G on transcript NM_000059.4 (MANE Select); coding-DNA position 5835, A replaced by G.
Protein change: p.Ile1945Met; replaces isoleucine 1945 with methionine.
Molecular consequence: missense variant.
Genome position (GRCh38, 1-based): chr13:32,340,190, A>G. VCF-style: chr13-32340190-A-G. GRCh37 (hg19) VCF-style: chr13-32914327-A-G.
Other names: short protein forms I1945M.
Identifiers: ClinVar variation 660566 (VCV000660566.15), dbSNP rs1593906680, ClinGen allele CA387787340.

ClinVar aggregate classification (germline): Conflicting classifications of pathogenicity. Review status: criteria provided, conflicting classifications (1 of 4 stars). 4 submissions from 4 submitters: Uncertain significance (2); Likely benign (2). Last evaluated 2023-03-23.

Conditions:
Hereditary breast ovarian cancer syndrome. Also called: Hereditary breast and/or ovarian cancer syndrome; Hereditary breast and ovarian cancer syndrome (HBOC); Breast and ovarian cancer; Hereditary breast and ovarian cancer syndrome; BRCA1- and BRCA2-Associated Hereditary Breast and Ovarian Cancer; Hereditary breast and ovarian cancer. Identifiers: Orphanet 145, MedGen C0677776, MeSH D061325, MONDO:0003582. Disease mechanism: loss of function.
Breast-ovarian cancer, familial, susceptibility to, 2 (BROVCA2). Also called: BRCA2 Hereditary Breast and Ovarian Cancer. Identifiers: Orphanet 145, MedGen C2675520, MONDO:0012933, OMIM 612555. Disease mechanism: loss of function.
Hereditary cancer-predisposing syndrome. Also called: Neoplastic Syndromes, Hereditary; Hereditary neoplastic syndrome; Tumor predisposition; Hereditary Cancer Syndrome. Identifiers: Orphanet 140162, MedGen C0027672, MeSH D009386, MONDO:0015356.

gnomAD v4.1: 2 of 1,613,592 alleles (0.00012%); highest among the groups gnomAD compares: Non-Finnish European, 0.00017%; no homozygotes.

Submissions (4):

All of Us Research Program, National Institutes of Health
Classification: Uncertain significance for Breast-ovarian cancer, familial, susceptibility to, 2. Last evaluated: 2023-03-23. Review status: criteria provided, single submitter. Criteria: ACMG Guidelines, 2015. Collection method: clinical testing. Allele origin: germline. Inheritance: Autosomal dominant inheritance. Observed: 1 variant allele, 1 heterozygote.
Comment: This missense variant replaces isoleucine with methionine at codon 1945 of the BRCA2 protein. Computational prediction suggests that this variant may not impact protein structure and function (internally defined REVEL score threshold <= 0.5, PMID: 27666373). To our knowledge, functional studies have not been reported for this variant. This variant has not been reported in individuals affected with BRCA2-related disorders in the literature. This variant has not been identified in the general population by the Genome Aggregation Database (gnomAD). The available evidence is insufficient to determine the role of this variant in disease conclusively. Therefore, this variant is classified as a Variant of Uncertain Significance.

This study involves interpretation of variants in research participants for the purpose of population health screening. Participant phenotype was not available at the time of variant classification. Additional details can be found in publication PMID: 35346344, PMCID: PMC8962531

University of Washington Department of Laboratory Medicine, University of Washington
Classification: Likely benign for Hereditary cancer-predisposing syndrome. Last evaluated: 2023-03-23. Review status: criteria provided, single submitter. Criteria: Dines et al. (Genet Med. 2020). Collection method: curation. Allele origin: germline.
Comment: Missense variant in a coldspot region where missense variants are very unlikely to be pathogenic (PMID:31911673).

BRCA2 exon 11 coldspot. Reclassification based on statistical prior probability.

Ambry Genetics
Classification: Likely benign for Hereditary cancer-predisposing syndrome. Last evaluated: 2022-06-06. Review status: criteria provided, single submitter. Criteria: Ambry Variant Classification Scheme 2023. Collection method: clinical testing. Allele origin: germline.

Labcorp Genetics (formerly Invitae), Labcorp
Classification: Uncertain significance for Hereditary breast ovarian cancer syndrome. Last evaluated: 2019-01-12. Review status: criteria provided, single submitter. Criteria: Invitae Variant Classification Sherloc (09022015). Collection method: clinical testing. Allele origin: germline.
Comment: This sequence change replaces isoleucine with methionine at codon 1945 of the BRCA2 protein (p.Ile1945Met). The isoleucine residue is weakly conserved and there is a small physicochemical difference between isoleucine and methionine. This variant is not present in population databases (ExAC no frequency). This variant has not been reported in the literature in individuals with BRCA2-related disease. Algorithms developed to predict the effect of missense changes on protein structure and function output the following: SIFT: "Tolerated"; PolyPhen-2: "Benign"; Align-GVGD: "Class C0". The methionine amino acid residue is found in multiple mammalian species, suggesting that this missense change does not adversely affect protein function. These predictions have not been confirmed by published functional studies and their clinical significance is uncertain. In summary, the available evidence is currently insufficient to determine the role of this variant in disease. Therefore, it has been classified as a Variant of Uncertain Significance.